The following is an entry in ClinVar:

ClinVar aggregate classification (germline): Likely pathogenic. Review status: criteria provided, multiple submitters, no conflicts (2 of 4 stars). 2 submissions from 2 submitters: Likely pathogenic (2). Last evaluated 2025-03-14.

Conditions:
Familial cancer of breast. Also called: hereditary breast carcinoma; BREAST CANCER, FAMILIAL; Hereditary breast cancer. Identifiers: Orphanet 227535, MedGen C0346153, MONDO:0016419, OMIM 114480. Disease mechanism: loss of function.
Hereditary cancer-predisposing syndrome. Also called: Neoplastic Syndromes, Hereditary; Tumor predisposition; Hereditary Cancer Syndrome; Hereditary neoplastic syndrome. Identifiers: Orphanet 140162, MedGen C0027672, MeSH D009386, MONDO:0015356.

Submissions (2):

Ambry Genetics
Classification: Likely pathogenic for Hereditary cancer-predisposing syndrome. Last evaluated: 2025-03-14. Review status: criteria provided, single submitter. Criteria: Ambry Variant Classification Scheme 2023. Collection method: clinical testing. Allele origin: germline.
Comment: The c.7516-1G>T intronic variant results from a G to T substitution one nucleotide upstream from coding exon 50 of the ATM gene. Alterations that disrupt the canonical splice site are expected to cause aberrant splicing. In silico splice site analysis predicts that this alteration will weaken the native splice acceptor site and will result in the creation or strengthening of a novel splice acceptor site. A resulting transcript is predicted to be in-frame and is not expected to trigger nonsense-mediated mRNA decay; although, direct evidence is unavailable. However, the region predicted to be impacted is critical for protein function (Ambry internal data). This variant is considered to be rare based on population cohorts in the Genome Aggregation Database (gnomAD). This nucleotide position is highly conserved in available vertebrate species. Based on the majority of available evidence to date, this variant is likely to be pathogenic.

Myriad Genetics, Inc.
Classification: Likely pathogenic for Familial cancer of breast. Last evaluated: 2024-08-06. Review status: criteria provided, single submitter. Criteria: Myriad Autosomal Dominant, Autosomal Recessive and X-Linked Classification Criteria (2023). Collection method: clinical testing. Allele origin: unknown.
Comment: This variant is considered likely pathogenic. This variant occurs within a consensus splice junction and is predicted to result in abnormal mRNA splicing of either an out-of-frame exon or an in-frame exon necessary for protein stability and/or normal function.

NM_000051.4(ATM):c.7516-1G>T

Genes: ATM (ATM serine/threonine kinase; plus strand), C11orf65 (chromosome 11 open reading frame 65; minus strand). Cytogenetic location: 11q22.3.
Variant type: single nucleotide variant.
Coding change: c.7516-1G>T on transcript NM_000051.4 (MANE Select); the canonical splice acceptor site of the intron before coding-DNA position 7516, G replaced by T.
Molecular consequence: splice acceptor variant. On other transcripts: non-coding transcript variant (1), intron variant (2).
Genome position (GRCh38, 1-based): chr11:108,331,443, G>T. VCF-style: chr11-108331443-G-T. GRCh37 (hg19) VCF-style: chr11-108202170-G-T.
Other names: c.7516-1G>T (NM_001351834.2); c.641-22372C>A (NM_001330368.2); c.*38+3777C>A (NM_001351110.2).
Identifiers: ClinVar variation 3378984 (VCV003378984.2).